The following is an entry in ClinVar:

ClinVar aggregate classification (germline): Uncertain significance. Review status: criteria provided, multiple submitters, no conflicts (2 of 4 stars). 4 submissions from 4 submitters: Uncertain significance (4). Last evaluated 2024-01-23.

Conditions:
Cardiovascular phenotype. Identifiers: MedGen CN230736.

Allele frequency attached by ClinVar (database versions not stated): TOPMed 0.00009.
gnomAD v4.1: 36 of 1,613,846 alleles (0.0022%); highest among the groups gnomAD compares: African/African-American, 0.028%; no homozygotes.

Submissions (4):

Revvity Omics, Revvity
Classification: Uncertain significance. Last evaluated: 2024-01-23. Review status: criteria provided, single submitter. Criteria: ACMG Guidelines, 2015. Collection method: clinical testing. Allele origin: germline.

Athena Diagnostics
Classification: Uncertain significance. Last evaluated: 2021-04-23. Review status: criteria provided, single submitter. Criteria: Athena Diagnostics criteria. Collection method: clinical testing. Allele origin: unknown.

Ambry Genetics
Classification: Uncertain significance for Cardiovascular phenotype. Last evaluated: 2018-09-29. Review status: criteria provided, single submitter. Criteria: Ambry Variant Classification Scheme 2023. Collection method: clinical testing. Allele origin: germline.
Comment: The p.R2077Q variant (also known as c.6230G>A), located in coding exon 26 of the TTN gene, results from a G to A substitution at nucleotide position 6230. The arginine at codon 2077 is replaced by glutamine, an amino acid with highly similar properties. This amino acid position is highly conserved in available vertebrate species. In addition, the in silico prediction for this alteration is inconclusive. Since supporting evidence is limited at this time, the clinical significance of this alteration remains unclear.

GeneDx
Classification: Uncertain significance. Last evaluated: 2012-12-10. Review status: criteria provided, single submitter. Criteria: GeneDx Variant Classification (06012015). Collection method: clinical testing. Allele origin: germline. Affected: yes.
Comment: Missense variants in the TTN gene are considered 'unclassified' if they are not previously reported in the literature and do not have >1% frequency in the population to be considered a polymorphism. Research indicates that truncating mutations in the TTN gene are expected to account for approximately 25% of familial and 18% of sporadic idiopathic DCM; however, truncating variants in the TTN gene have been reported in approximately 3% of reported control alleles. There has been little investigation into non-truncating variants. (Herman D et al. Truncations of titin causing dilated cardiomyopathy. N Eng J Med 366:619-628, 2012) The variant is found in DCM panel(s).

NM_001267550.2(TTN):c.6368G>A (p.Arg2123Gln)

Gene: TTN (titin; minus strand). Cytogenetic location: 2q31.2.
Variant type: single nucleotide variant.
Coding change: c.6368G>A on transcript NM_001267550.2 (MANE Select); coding-DNA position 6368, G replaced by A.
Protein change: p.Arg2123Gln; replaces arginine 2123 with glutamine.
Molecular consequence: missense variant.
Genome position (GRCh38, 1-based): chr2:178,775,496, C>T on the plus strand (G>A on the coding strand, the complement: TTN is on the minus strand). VCF-style: chr2-178775496-C-T. GRCh37 (hg19) VCF-style: chr2-179640223-C-T.
Other names: p.R2123Q:CGG>CAG; c.6368G>A, p.Arg2123Gln (NM_001256850.1, NM_133378.4, NM_133379.5); c.6368G>A (NM_001267550.1); c.6230G>A, p.Arg2077Gln (NM_003319.4, NM_133432.3, NM_133437.4); short protein forms R2123Q, R2077Q.
Identifiers: ClinVar variation 203145 (VCV000203145.6), dbSNP rs530807674, ClinGen allele CA311429.